The following is an entry in ClinVar:

NM_004565.3(PEX14):c.384+14A>T

Gene: PEX14 (peroxisomal biogenesis factor 14; plus strand). Cytogenetic location: 1p36.22.
Variant type: single nucleotide variant.
Coding change: c.384+14A>T on transcript NM_004565.3 (MANE Select); 14 bases into the intron after coding-DNA position 384, A replaced by T.
Molecular consequence: intron variant.
Genome position (GRCh38, 1-based): chr1:10,618,431, A>T. VCF-style: chr1-10618431-A-T. GRCh37 (hg19) VCF-style: chr1-10678488-A-T.
Identifiers: ClinVar variation 95145 (VCV000095145.21), dbSNP rs284238, ClinGen allele CA148270.

ClinVar aggregate classification (germline): Benign. Review status: criteria provided, multiple submitters, no conflicts (2 of 4 stars). 7 submissions from 7 submitters: Benign (6). 1 of the submissions does not count toward it. Last evaluated 2026-02-04.

Conditions:
Peroxisome biogenesis disorder, complementation group K (CGK). Identifiers: MedGen C1866257, MONDO:0800365.
Peroxisome biogenesis disorder 13A (Zellweger). Also called: Peroxisome biogenesis disorder 13A. Identifiers: Orphanet 912, MedGen C3554004, MONDO:0013952, OMIM 614887.

Allele frequency attached by ClinVar (database versions not stated): gnomAD exomes 0.13663 and 0.15475; ExAC 0.15787; TOPMed 0.18516; ESP Exome Variant Server 0.18653; gnomAD 0.19064 and 0.19360; 1000 Genomes Project 0.19489; 1000 Genomes Project 30x 0.20066.
gnomAD v4.1: 227,509 of 1,599,916 alleles (14%); highest among the groups gnomAD compares: African/African-American, 31%; 18,358 homozygotes.

Submissions (7):

Labcorp Genetics (formerly Invitae), Labcorp
Classification: Benign for Peroxisome biogenesis disorder, complementation group K. Last evaluated: 2026-02-04. Review status: criteria provided, single submitter. Criteria: Invitae Variant Classification Sherloc (09022015). Collection method: clinical testing. Allele origin: germline.

GeneDx
Classification: Benign. Last evaluated: 2018-09-26. Review status: criteria provided, single submitter. Criteria: GeneDx Variant Classification Process June 2021. Collection method: clinical testing. Allele origin: germline. Affected: yes.

Illumina Laboratory Services, Illumina
Classification: Benign for Peroxisome biogenesis disorder 13A (Zellweger). Last evaluated: 2018-01-13. Review status: criteria provided, single submitter. Criteria: ICSL Variant Classification Criteria 13 December 2019. Collection method: clinical testing. Allele origin: germline.
Comment: This variant was observed in the ICSL laboratory as part of a predisposition screen in an ostensibly healthy population. It had not been previously curated by ICSL or reported in the Human Gene Mutation Database (HGMD: prior to June 1st, 2018), and was therefore a candidate for classification through an automated scoring system. Utilizing variant allele frequency, disease prevalence and penetrance estimates, and inheritance mode, an automated score was calculated to assess if this variant is too frequent to cause the disease. Based on the score and internal cut-off values, a variant classified as benign is not then subjected to further curation. The score for this variant resulted in a classification of benign for this disease.

Eurofins Ntd Llc (ga)
Classification: Benign. Last evaluated: 2013-04-30. Review status: criteria provided, single submitter. Criteria: EGL Classification Definitions 2015. Collection method: clinical testing. Allele origin: germline. Observed: 1 variant allele, 1 heterozygote.

Breakthrough Genomics
Classification: Benign. Review status: criteria provided, single submitter. Criteria: ACMG Guidelines, 2015. Collection method: not provided. Allele origin: germline. Inheritance: Autosomal recessive inheritance. Affected: yes.

PreventionGenetics, part of Exact Sciences
Classification: Benign. Review status: criteria provided, single submitter. Criteria: ACMG Guidelines, 2015. Collection method: clinical testing. Allele origin: germline.

Mayo Clinic Laboratories, Mayo Clinic
Classification: Benign. Last evaluated: 2015-10-26. Review status: no assertion criteria provided. Collection method: clinical testing. Allele origin: unknown. Not counted in ClinVar's aggregate classification.